The following is an entry in ClinVar:

NM_004415.4(DSP):c.273+5G>A

Gene: DSP (desmoplakin; plus strand). Cytogenetic location: 6p24.3.
Variant type: single nucleotide variant.
Coding change: c.273+5G>A on transcript NM_004415.4 (MANE Select); 5 bases into the intron after coding-DNA position 273, G replaced by A.
Molecular consequence: intron variant.
Genome position (GRCh38, 1-based): chr6:7,555,825, G>A. VCF-style: chr6-7555825-G-A. GRCh37 (hg19) VCF-style: chr6-7556058-G-A.
Other names: c.273+5G>A (NM_001319034.2, NM_001008844.3).
Identifiers: ClinVar variation 163237 (VCV000163237.54), dbSNP rs200473206, ClinGen allele CA005542.

ClinVar aggregate classification (germline): Conflicting classifications of pathogenicity. Review status: criteria provided, conflicting classifications (1 of 4 stars). 22 submissions from 19 submitters: Likely pathogenic (1); Uncertain significance (17); Likely benign (2). 2 of the submissions do not count toward it. Last evaluated 2026-09-10.

Conditions:
Cardiovascular phenotype. Identifiers: MedGen CN230736.
DSP-related disorder. Also called: DSP-related condition; DSP-related disorders.
Long QT syndrome (LQTS). Identifiers: MedGen C0023976, MeSH D008133, MONDO:0002442. Disease mechanism: loss of function. Inheritance: Various modes of inheritance.
Primary dilated cardiomyopathy (DCM). Also called: Dilated Cardiomyopathy. Identifiers: Orphanet 217604, MedGen C0007193, MeSH D002311, MONDO:0005021, HP:0001644. Inheritance: Various modes of inheritance.
Arrhythmogenic cardiomyopathy with wooly hair and keratoderma. Also called: Dilated cardiomyopathy with woolly hair and keratoderma; Carvajal syndrome; PALMOPLANTAR KERATODERMA WITH LEFT VENTRICULAR CARDIOMYOPATHY AND WOOLLY HAIR; Arrhythmogenic cardiomyopathy with woolly hair and keratoderma. Identifiers: Orphanet 65282, MedGen C1854063, MONDO:0011581, OMIM 605676.
Keratosis palmoplantaris striata 2. Also called: KERATODERMA, PALMOPLANTAR, STRIATE FORM II; STRIATE PALMOPLANTAR KERATODERMA II; Keratosis palmoplantaris striata II. Identifiers: MedGen C1852127, MONDO:0013034, OMIM 612908.
Cardiomyopathy, dilated, with wooly hair, keratoderma, and tooth agenesis. Also called: Cardiomyopathy, dilated, with woolly hair, keratoderma, and tooth agenesis; Erythrokeratodermia-cardiomyopathy syndrome. Identifiers: Orphanet 476096, Orphanet 65282, MedGen C4014393, MONDO:0014355, OMIM 615821.
Lethal acantholytic epidermolysis bullosa (EBLA). Identifiers: Orphanet 158687, MedGen C1864826, MONDO:0012323, OMIM 609638.
Woolly hair-skin fragility syndrome (WHSF). Identifiers: Orphanet 293165, MedGen C1843292, MONDO:0957307, OMIM 620415.
Arrhythmogenic right ventricular dysplasia 8 (ARVD8). Also called: Arrhythmogenic Right Ventricular Dysplasia/Cardiomyopathy 8; ARRHYTHMOGENIC RIGHT VENTRICULAR DYSPLASIA, FAMILIAL, 8; ARRHYTHMOGENIC RIGHT VENTRICULAR CARDIOMYOPATHY 8. Identifiers: MedGen C1843896, MONDO:0011831, OMIM 607450.
Arrhythmogenic right ventricular cardiomyopathy (ARVD). Also called: Cardiomyopathy, ARVC; Arrhythmogenic right ventricular dysplasia; Arrhythmogenic Right Ventricular Cardiomyopathy (ARVC); Arrhythmogenic cardiomyopathy. Identifiers: Orphanet 247, MedGen C0349788, MeSH D019571, MONDO:0016587. Disease mechanism: loss of function. Inheritance: Various modes of inheritance.
Cardiomyopathy (CMYO). Also called: Cardiomyopathies. Identifiers: Orphanet 167848, MedGen C0878544, MONDO:0004994, HP:0001638. Inheritance: Various modes of inheritance.

Allele frequency attached by ClinVar (database versions not stated): gnomAD exomes 0.00027 and 0.00034; gnomAD 0.00028 and 0.00031; TOPMed 0.00028; ESP Exome Variant Server 0.00031; ExAC 0.00035.
gnomAD v4.1: 537 of 1,613,186 alleles (0.033%); highest among the groups gnomAD compares: Middle Eastern, 0.049%; no homozygotes.

Submissions 1 to 6 of 25:

PreventionGenetics, part of Exact Sciences
Classification: Uncertain significance for DSP-related condition. Last evaluated: 2026-09-10. Review status: criteria provided, single submitter. Criteria: ACMG Guidelines, 2015. Collection method: clinical testing. Allele origin: germline.
Comment: The DSP c.273+5G>A variant is predicted to interfere with splicing. This variant is predicted to reduce the strength of the native splice site based on available splicing prediction programs (SpliceAI, Jaganathan et al. 2019. PubMed ID: 30661751). However, RNA studies on cells from carrier individuals did not detect alternatively spliced products (Basso et al 2006. PubMed ID: 16774985). This variant (also referred to as c.542+5G>A) has been reported in individuals with arrhythmogenic right ventricular cardiomyopathy (Basso et al 2006. PubMed ID: 16774985; Bauce et al. 2011. PubMed ID: 21723241; Table S1, Marschall et al. 2019. PubMed ID: 31737537; Rigato et al. 2013. PubMed ID: 24070718), individuals with either dilated or hypertrophic cardiomyopathy (Table S1, Dal Ferro et al. 2017. PubMed ID: 28416588; Table S2, van Lint et al. 2019. PubMed ID: 30847666; Table S1, Gigli et al. 2019. PubMed ID: 31514951), and individuals with mitral valve prolapse (Table S2, van Wijngaarden et al. 2020. PubMed ID: 32277046). This variant is reported in 0.052% of alleles in individuals of European (Non-Finnish) descent in gnomAD, which is likely too frequent to be a primary cause of disease for an autosomal dominant DSP-related disorder(s). At this time, the clinical significance of this variant for is uncertain due to the absence of conclusive functional and genetic evidence.

Labcorp Genetics (formerly Invitae), Labcorp
Classification: Uncertain significance for Arrhythmogenic cardiomyopathy with wooly hair and keratoderma; Arrhythmogenic right ventricular dysplasia 8. Last evaluated: 2026-02-04. Review status: criteria provided, single submitter. Criteria: Invitae Variant Classification Sherloc (09022015). Collection method: clinical testing. Allele origin: germline.
Comment: This sequence change falls in intron 2 of the DSP gene. It does not directly change the encoded amino acid sequence of the DSP protein. It affects a nucleotide within the consensus splice site. This variant is present in population databases (rs200473206, gnomAD 0.05%). This variant has been observed in individual(s) with autosomal dominant arrhythmogenic right ventricular cardiomyopathy, dilated cardiomyopathy, sudden infant death syndrome, and/or Carvajal syndrome (PMID: 16774985, 21723241, 28074886, 34026522, 34290054, 35325485, 37652022; internal data). This variant is also known as c.542+5G>A. ClinVar contains an entry for this variant (Variation ID: 163237). Variants that disrupt the consensus splice site are a relatively common cause of aberrant splicing (PMID: 17576681, 9536098). Studies have shown that this variant is associated with inconclusive levels of altered splicing (PMID: 16774985, 34290054, 35325485). In summary, the available evidence is currently insufficient to determine the role of this variant in disease. Therefore, it has been classified as a Variant of Uncertain Significance.

Mayo Clinic Laboratories, Mayo Clinic
Classification: Likely pathogenic. Last evaluated: 2025-07-08. Review status: criteria provided, single submitter. Criteria: ACMG Guidelines, 2015. Collection method: clinical testing. Allele origin: germline. Observed: 2 variant alleles.
Comment: The c.273+5G>A variant has been reported in the heterozygous state in individuals with ACM (PMID: 36580316, 34290054, 21723241, 16774985), DCM (PMID: 32826072, 31514951, 30398466, 28416588), unspecified cardiomyopathy (PMID: 30847666, 37652022), and one case of sudden infant death syndrome (PMID: 28074886). This variant has also been reported with a second, truncating DSP variant in at least three individuals with varying cardiocutaneous features of Carvajal syndrome (PMID: 34290054, 34026522, 35325485, 35207675). The overall minor allele frequency for this variant (rs200473206) is approximately 0.028% with a frequency up to 0.052% in Non-Finnish European sub-populations. This nucleotide change occurs in a highly conserved region important for RNA splicing. The G nucleotide at the +5 position is conserved in the majority of human donor splice site consensus sequences, and substitution of this position can in some cases cause aberrant splicing (PMID: 15100438, 17576681). One RNA study in patient derived cells heterozygous for the c.273+5G>A variant showed only the wild-type transcript, suggesting that the variant either does not impact mRNA splicing or may result in degradation of aberrant transcripts (PMID: 16774985). In addition, studies on engineered cardiac tissue and patient cells showed that the variant caused reduced native protein levels (PMID: 34290054, 35325485). Taken together, this evidence is sufficient to classify this variant as likely pathogenic for autosomal recessive Carvajal syndrome. Additional studies are needed to confirm whether this variant is associated with autosomal dominant forms of cardiomyopathy, and therefore it is classified as a variant of uncertain significance for autosomal dominant DSP-related forms of cardiomyopathy. BS1, BS3_supporting, PP3, PM3_strong, PS3_supporting, PS4_moderate

GeneDx
Classification: Uncertain significance. Last evaluated: 2025-06-30. Review status: criteria provided, single submitter. Criteria: GeneDx Variant Classification Process June 2021. Collection method: clinical testing. Allele origin: germline. Affected: yes.
Comment: Reported in association with cardiomyopathies (ARVC, DCM, HCM), arrhythmia, sudden infant death syndrome (SIDS), and mitral valve prolapse; however, some individuals harbored additional cardiogenetic variants (PMID: 16774985, 21723241, 24070718, 27097650, 28074886, 28416588, 30398466, 31514951, 31737537, 30847666, 32277046, 37936624, 39240923, 32826072); Identified in patients with Carvajal syndrome who harbored an additional variant in DSP in trans (PMID: 35207675, 35325485, 36580316, 39582392); Published functional studies are contradictory regarding whether the c.273+5G>A variant leads to alternative splicing products (PMID: 35325485, 16774985); In silico analysis is inconclusive as to whether the variant alters gene splicing. In the absence of RNA/functional studies, the actual effect of this sequence change is unknown.; Also known as c.542+5 G>A and IVS2+5 G>A; This variant is associated with the following publications: (PMID: 28759816, 30398466, 21723241, 26138720, 16774985, 27097650, 28074886, 18382419, 28416588, 34426522, 30847666, 31514951, 31737537, 32277046, 31402444, 32372669, 36270459, 35325485, 34290054, 37895213, 25225338, 36142674, 34026522, 37652022, 39240923, 32826072, 24070718, 37936624, 39582392, 35207675, 36580316)

Color Diagnostics, LLC DBA Color Health
Classification: Likely benign for Cardiomyopathy. Last evaluated: 2025-03-17. Review status: criteria provided, single submitter. Criteria: ACMG Guidelines, 2015. Collection method: clinical testing. Allele origin: germline.

Molecular Diagnostic Laboratory for Inherited Cardiovascular Disease, Montreal Heart Institute
Classification: Uncertain significance for Cardiovascular phenotype. Last evaluated: 2025-02-17. Review status: criteria provided, single submitter. Criteria: ACMG Guidelines, 2015. Collection method: clinical testing. Allele origin: germline. Affected: yes.
Comment: PVS1_mod, BS1